The following is an entry in ClinVar:

NM_173630.4(RTTN):c.805T>C (p.Phe269Leu)

Gene: RTTN (rotatin; minus strand). Cytogenetic location: 18q22.2.
Variant type: single nucleotide variant.
Coding change: c.805T>C on transcript NM_173630.4 (MANE Select); coding-DNA position 805, T replaced by C.
Protein change: p.Phe269Leu; replaces phenylalanine 269 with leucine.
Molecular consequence: missense variant. On other transcripts: 5 prime UTR variant (1).
Genome position (GRCh38, 1-based): chr18:70,196,537, A>G on the plus strand (T>C on the coding strand, the complement: RTTN is on the minus strand). VCF-style: chr18-70196537-A-G. GRCh37 (hg19) VCF-style: chr18-67863773-A-G.
Other names: c.-1749T>C (NM_001318520.2); short protein forms F269L.
Identifiers: ClinVar variation 130198 (VCV000130198.18), dbSNP rs141156594, ClinGen allele CA155034.
Genomic context (GRCh38, chr18:70,196,537, plus strand): 5'-TAATGAACAGATAAAAATAAATACCGTGTTTATTGGAGAAAAAACCTGGATCTCGGTGAA[A>G]GTTAAGTCTGTTTCTTAAATACATGCACAGCTGCTGCAGGCAGGACACCGACTGTAATGC-3'
Protein context (NP_775901.3, residues 259-279): LCMYLRNRLN[Phe269Leu]HRDPGFFSNK

ClinVar aggregate classification (germline): Benign/Likely benign. Review status: criteria provided, multiple submitters, no conflicts (2 of 4 stars). 4 submissions from 4 submitters: Benign (1); Likely benign (2). 1 of the submissions does not count toward it. Last evaluated 2026-02-01.

Conditions:
Microcephalic primordial dwarfism due to RTTN deficiency (MSSP). Also called: MICROCEPHALY, SHORT STATURE, AND POLYMICROGYRIA; Microcephaly, short stature, and polymicrogyria with or without seizures. Identifiers: Orphanet 468631, MedGen C3553831, MONDO:0018764, OMIM 614833.

Allele frequency attached by ClinVar (database versions not stated): gnomAD 0.00096 and 0.00134; TOPMed 0.00301; 1000 Genomes Project 0.00739; 1000 Genomes Project 30x 0.00796.
gnomAD v4.1: 1,520 of 1,612,320 alleles (0.094%); highest among the groups gnomAD compares: East Asian, 2.7%; 24 homozygotes.

Submissions (4):

Labcorp Genetics (formerly Invitae), Labcorp
Classification: Benign. Last evaluated: 2026-02-01. Review status: criteria provided, single submitter. Criteria: Invitae Variant Classification Sherloc (09022015). Collection method: clinical testing. Allele origin: germline.

Fulgent Genetics
Classification: Likely benign for Microcephalic primordial dwarfism due to RTTN deficiency. Last evaluated: 2022-01-21. Review status: criteria provided, single submitter. Criteria: ACMG Guidelines, 2015. Collection method: clinical testing. Allele origin: unknown.

GeneDx
Classification: Likely benign. Last evaluated: 2020-03-26. Review status: criteria provided, single submitter. Criteria: GeneDx Variant Classification Process June 2021. Collection method: clinical testing. Allele origin: germline. Affected: yes.

Genetic Services Laboratory, University of Chicago
Classification: Likely benign for AllHighlyPenetrant. Review status: no assertion criteria provided. Collection method: clinical testing. Allele origin: germline. Inheritance: Autosomal recessive inheritance. Not counted in ClinVar's aggregate classification.
Comment: Likely benign based on allele frequency in 1000 Genomes Project or ESP global frequency and its presence in a patient with a rare or unrelated disease phenotype. NOT Sanger confirmed.